The following is an entry in ClinVar:

NM_001164508.2(NEB):c.21541T>C (p.Tyr7181His)

Genes: NEB (nebulin; minus strand), RIF1 (replication timing regulatory factor 1; plus strand). Cytogenetic location: 2q23.3.
Variant type: single nucleotide variant.
Coding change: c.21541T>C on transcript NM_001164508.2 (MANE Select); coding-DNA position 21541, T replaced by C.
Protein change: p.Tyr7181His; replaces tyrosine 7181 with histidine.
Molecular consequence: missense variant.
Genome position (GRCh38, 1-based): chr2:151,531,083, A>G on the plus strand (T>C on the coding strand, the complement: NEB is on the minus strand). VCF-style: chr2-151531083-A-G. GRCh37 (hg19) VCF-style: chr2-152387597-A-G.
Other names: c.21541T>C, p.Tyr7181His (NM_001164507.2); c.21646T>C, p.Tyr7216His (NM_001271208.2); c.16438T>C, p.Tyr5480His (NM_004543.5); short protein forms Y7216H, Y7181H, Y5480H.
Identifiers: ClinVar variation 2184469 (VCV002184469.4), dbSNP rs2552139145, ClinGen allele CA348770362.
Genomic context (GRCh38, chr2:151,531,083, plus strand): 5'-CATGCAGCAACATGGGTGTGTCGTGGATTGTGGTGTAGCCTCTGGGTTTGGCCTTGTTGT[A>G]TTCCAATTTATAAAGGATCTGAAAGATCAAAAAGCAGAAAGACATCATGTCATGCTTCTC-3'
Protein context (NP_001157980.2, residues 7171-7191): QISDILYKLE[Tyr7181His]NKAKPRGYTT

ClinVar aggregate classification (germline): Uncertain significance. Review status: criteria provided, multiple submitters, no conflicts (2 of 4 stars). 2 submissions from 2 submitters: Uncertain significance (2). Last evaluated 2022-10-24.

Conditions:
Nemaline myopathy 2 (NEM2). Also called: Nemaline myopathy 2, autosomal recessive. Identifiers: MedGen C1850569, MONDO:0009725, OMIM 256030.

Submissions (2):

Revvity Omics, Revvity
Classification: Uncertain significance. Last evaluated: 2022-10-24. Review status: criteria provided, single submitter. Criteria: ACMG Guidelines, 2015. Collection method: clinical testing. Allele origin: germline.

Labcorp Genetics (formerly Invitae), Labcorp
Classification: Uncertain significance for Nemaline myopathy 2. Last evaluated: 2022-04-03. Review status: criteria provided, single submitter. Criteria: Invitae Variant Classification Sherloc (09022015). Collection method: clinical testing. Allele origin: germline.
Comment: This sequence change replaces tyrosine, which is neutral and polar, with histidine, which is basic and polar, at codon 7216 of the NEB protein (p.Tyr7216His). This variant is not present in population databases (gnomAD no frequency). This variant has not been reported in the literature in individuals affected with NEB-related conditions. Algorithms developed to predict the effect of missense changes on protein structure and function are either unavailable or do not agree on the potential impact of this missense change (SIFT: "Deleterious"; PolyPhen-2: "Not Available"; Align-GVGD: "Class C0"). In summary, the available evidence is currently insufficient to determine the role of this variant in disease. Therefore, it has been classified as a Variant of Uncertain Significance.